The following is an entry in ClinVar:

ClinVar aggregate classification (germline): Likely benign (1 of 4 stars; one submission).

Conditions:
ODAD4-related disorder. Also called: ODAD4-related condition.

gnomAD v4.1: 14 of 1,596,128 alleles (0.00088%); highest among the groups gnomAD compares: African/African-American, 0.011%; no homozygotes.

Submission:

PreventionGenetics, part of Exact Sciences
Classification: Likely benign for ODAD4-related condition. Last evaluated: 2024-12-26. Review status: criteria provided, single submitter. Criteria: ACMG Guidelines, 2015. Collection method: clinical testing. Allele origin: germline.
Comment: This variant is classified as likely benign based on ACMG/AMP sequence variant interpretation guidelines (Richards et al. 2015 PMID: 25741868, with internal and published modifications).

NM_031421.5(ODAD4):c.-3A>C

Genes: ODAD4 (outer dynein arm docking complex subunit 4; plus strand), LOC130060856 (ATAC-STARR-seq lymphoblastoid active region 12176; plus strand). Cytogenetic location: 17q21.2.
Variant type: single nucleotide variant.
Coding change: c.-3A>C on transcript NM_031421.5 (MANE Select); 3 bases upstream of the start codon, A replaced by C.
Molecular consequence: 5 prime UTR variant. On other transcripts: non-coding transcript variant (3).
Genome position (GRCh38, 1-based): chr17:41,930,721, A>C. VCF-style: chr17-41930721-A-C. GRCh37 (hg19) VCF-style: chr17-40086974-A-C.
Other names: c.-3A>C (NM_001350319.2).
Identifiers: ClinVar variation 4977091 (VCV004977091.1).